The following is an entry in ClinVar:

ClinVar aggregate classification (germline): Uncertain significance. Review status: criteria provided, multiple submitters, no conflicts (2 of 4 stars). 2 submissions from 2 submitters: Uncertain significance (2). Last evaluated 2023-03-01.

Conditions:
Intellectual disability, autosomal recessive 53 (NEDHSCA). Also called: GLYCOSYLPHOSPHATIDYLINOSITOL BIOSYNTHESIS DEFECT 13; Mental retardation, autosomal recessive 53; NEURODEVELOPMENTAL DISORDER WITH OR WITHOUT HYPOTONIA, SEIZURES, AND CEREBELLAR ATROPHY. Identifiers: Orphanet 488635, MedGen C4310794, MONDO:0014832, OMIM 616917.
Inborn genetic diseases. Identifiers: MedGen C0950123, MeSH D030342.

Allele frequency attached by ClinVar (database versions not stated): gnomAD exomes below 0.00001 and 0.00002; ExAC 0.00001; TOPMed 0.00002; gnomAD 0.00003; ESP Exome Variant Server 0.00008.
gnomAD v4.1: 9 of 1,614,034 alleles (0.00056%); highest among the groups gnomAD compares: African/African-American, 0.0093%; no homozygotes.

Submissions (2):

Ambry Genetics
Classification: Uncertain significance for Inborn genetic diseases. Last evaluated: 2023-03-01. Review status: criteria provided, single submitter. Criteria: Ambry Variant Classification Scheme 2023. Collection method: clinical testing. Allele origin: germline.

Labcorp Genetics (formerly Invitae), Labcorp
Classification: Uncertain significance for Intellectual disability, autosomal recessive 53. Last evaluated: 2021-09-01. Review status: criteria provided, single submitter. Criteria: Invitae Variant Classification Sherloc (09022015). Collection method: clinical testing. Allele origin: germline.
Comment: This sequence change replaces aspartic acid with histidine at codon 634 of the PIGG protein (p.Asp634His). The aspartic acid residue is weakly conserved and there is a moderate physicochemical difference between aspartic acid and histidine. This variant is present in population databases (rs145542247, ExAC 0.01%). This variant has not been reported in the literature in individuals affected with PIGG-related conditions. Algorithms developed to predict the effect of missense changes on protein structure and function output the following: SIFT: "Tolerated"; PolyPhen-2: "Benign"; Align-GVGD: "Class C0". The histidine amino acid residue is found in multiple mammalian species, which suggests that this missense change does not adversely affect protein function. In summary, the available evidence is currently insufficient to determine the role of this variant in disease. Therefore, it has been classified as a Variant of Uncertain Significance.

NM_001127178.3(PIGG):c.1900G>C (p.Asp634His)

Gene: PIGG (phosphatidylinositol glycan anchor biosynthesis class G (EMM blood group); plus strand). Cytogenetic location: 4p16.3.
Variant type: single nucleotide variant.
Coding change: c.1900G>C on transcript NM_001127178.3 (MANE Select); coding-DNA position 1900, G replaced by C.
Protein change: p.Asp634His; replaces aspartic acid 634 with histidine.
Molecular consequence: missense variant. On other transcripts: non-coding transcript variant (6).
Genome position (GRCh38, 1-based): chr4:523,744, G>C. VCF-style: chr4-523744-G-C. GRCh37 (hg19) VCF-style: chr4-517533-G-C.
Other names: c.1633G>C, p.Asp545His (NM_001289051.2, NM_001345986.2); c.1501G>C, p.Asp501His (NM_001289052.2); c.1609G>C, p.Asp537His (NM_001345987.2); c.871G>C, p.Asp291His (NM_001345988.2); c.367G>C, p.Asp123His (NM_001345990.2, NM_001345991.2); c.802G>C, p.Asp268His (NM_001345994.2); c.1876G>C, p.Asp626His (NM_017733.5); c.1900G>C (NM_001127178.1); short protein forms D537H, D123H, D291H, D501H, D626H, D268H, D545H, D634H.
Identifiers: ClinVar variation 859449 (VCV000859449.8), dbSNP rs145542247, ClinGen allele CA2793479.